The following is an entry in ClinVar:

NM_001478.5(B4GALNT1):c.1102G>A (p.Glu368Lys)

Gene: B4GALNT1 (beta-1,4-N-acetyl-galactosaminyltransferase 1; minus strand). Cytogenetic location: 12q13.3.
Variant type: single nucleotide variant.
Coding change: c.1102G>A on transcript NM_001478.5 (MANE Select); coding-DNA position 1102, G replaced by A.
Protein change: p.Glu368Lys; replaces glutamic acid 368 with lysine.
Molecular consequence: missense variant.
Genome position (GRCh38, 1-based): chr12:57,628,163, C>T on the plus strand (G>A on the coding strand, the complement: B4GALNT1 is on the minus strand). VCF-style: chr12-57628163-C-T. GRCh37 (hg19) VCF-style: chr12-58021946-C-T.
Other names: p.Glu368Lys; c.937G>A, p.Glu313Lys (NM_001276468.2, NM_001413978.1); c.1237G>A, p.Glu413Lys (NM_001413967.1, NM_001413968.1, NM_001413969.1); c.1102G>A, p.Glu368Lys (NM_001413970.1, NM_001413971.1, NM_001413972.1 and 2 more transcripts); c.1003G>A, p.Glu335Lys (NM_001413977.1); c.250G>A, p.Glu84Lys (NM_001413981.1); c.115G>A, p.Glu39Lys (NM_001413982.1, NM_001413983.1, NM_001413984.1); short protein forms E313K, E335K, E368K, E39K, E413K, E84K.
Identifiers: ClinVar variation 3380111 (VCV003380111.1).

ClinVar aggregate classification (germline): Uncertain significance (1 of 4 stars; one submission).

Submission:

Mayo Clinic Laboratories, Mayo Clinic
Classification: Uncertain significance. Last evaluated: 2024-05-09. Review status: criteria provided, single submitter. Criteria: ACMG Guidelines, 2015. Collection method: clinical testing. Allele origin: germline. Observed: 1 variant allele.
Comment: PM2